The following is an entry in ClinVar:

NM_000059.4(BRCA2):c.4104A>T (p.Leu1368Phe)

Gene: BRCA2 (BRCA2 DNA repair associated; plus strand). Cytogenetic location: 13q13.1.
Variant type: single nucleotide variant.
Coding change: c.4104A>T on transcript NM_000059.4 (MANE Select); coding-DNA position 4104, A replaced by T.
Protein change: p.Leu1368Phe; replaces leucine 1368 with phenylalanine.
Molecular consequence: missense variant. On other transcripts: non-coding transcript variant (1), intron variant (2).
Genome position (GRCh38, 1-based): chr13:32,338,459, A>T. VCF-style: chr13-32338459-A-T. GRCh37 (hg19) VCF-style: chr13-32912596-A-T.
Other names: c.4104A>T, p.Leu1368Phe (NM_001406719.1, NM_001406720.1, NM_001432077.1); c.1909+5072A>T (NM_001406721.1); c.425-6099A>T (NM_001406722.1); short protein forms L1368F.
Identifiers: ClinVar variation 4867758 (VCV004867758.1).

ClinVar aggregate classification (germline): Uncertain significance (1 of 4 stars; one submission).

Conditions:
Hereditary cancer-predisposing syndrome. Also called: Neoplastic Syndromes, Hereditary; Tumor predisposition; Hereditary Cancer Syndrome; Hereditary neoplastic syndrome. Identifiers: Orphanet 140162, MedGen C0027672, MeSH D009386, MONDO:0015356.

Submission:

Ambry Genetics
Classification: Uncertain significance for Hereditary cancer-predisposing syndrome. Last evaluated: 2026-03-15. Review status: criteria provided, single submitter. Criteria: Ambry Variant Classification Scheme 2023. Collection method: clinical testing. Allele origin: germline.
Comment: The p.L1368F variant (also known as c.4104A>T), located in coding exon 10 of the BRCA2 gene, results from an A to T substitution at nucleotide position 4104. The leucine at codon 1368 is replaced by phenylalanine, an amino acid with highly similar properties. This amino acid position is conserved. In addition, this alteration is predicted to be tolerated by in silico analysis. Based on the available evidence, the clinical significance of this variant remains unclear.